The following is an entry in ClinVar:

ClinVar aggregate classification (germline): Uncertain significance (1 of 4 stars; one submission).

Submission:

GeneDx
Classification: Uncertain significance. Last evaluated: 2025-02-13. Review status: criteria provided, single submitter. Criteria: GeneDx Variant Classification Process June 2021. Collection method: clinical testing. Allele origin: germline. Affected: yes.
Comment: Not observed at significant frequency in large population cohorts (gnomAD); Nonsense variant predicted to result in protein truncation or nonsense mediated decay in a gene or region of a gene for which loss of function is not a well-established mechanism of disease; Has not been previously published as pathogenic or benign to our knowledge

NM_002473.6(MYH9):c.3229C>T (p.Gln1077Ter)

Gene: MYH9 (myosin heavy chain 9; minus strand). Cytogenetic location: 22q12.3.
Variant type: single nucleotide variant.
Coding change: c.3229C>T on transcript NM_002473.6 (MANE Select); coding-DNA position 3229, C replaced by T.
Protein change: p.Gln1077Ter; replaces glutamine 1077 with a stop codon.
Molecular consequence: nonsense.
Genome position (GRCh38, 1-based): chr22:36,296,886, G>A on the plus strand (C>T on the coding strand, the complement: MYH9 is on the minus strand). VCF-style: chr22-36296886-G-A. GRCh37 (hg19) VCF-style: chr22-36692932-G-A.
Other names: short protein forms Q1077*.
Identifiers: ClinVar variation 4075511 (VCV004075511.1).